The following is an entry in ClinVar:

NM_130839.5(UBE3A):c.2030T>C (p.Phe677Ser)

Genes: SNHG14 (small nucleolar RNA host gene 14; plus strand), UBE3A (ubiquitin protein ligase E3A; minus strand). Cytogenetic location: 15q11.2.
Variant type: single nucleotide variant.
Coding change: c.2030T>C on transcript NM_130839.5 (MANE Select); coding-DNA position 2030, T replaced by C.
Protein change: p.Phe677Ser; replaces phenylalanine 677 with serine.
Molecular consequence: missense variant. On other transcripts: non-coding transcript variant (1), intron variant (1).
Genome position (GRCh38, 1-based): chr15:25,355,986, A>G on the plus strand (T>C on the coding strand, the complement: UBE3A is on the minus strand). VCF-style: chr15-25355986-A-G. GRCh37 (hg19) VCF-style: chr15-25601133-A-G.
Other names: c.2039T>C, p.Phe680Ser (NM_000462.5); c.2030T>C, p.Phe677Ser (NM_001354505.1, NM_001354538.2, NM_001354545.2); c.1970T>C, p.Phe657Ser (NM_001354506.2, NM_001354507.2, NM_001354508.2 and 16 more transcripts); c.1853T>C, p.Phe618Ser (NM_001354546.2); c.779T>C, p.Phe260Ser (NM_001354550.2); c.719T>C, p.Phe240Ser (NM_001354551.2); c.1899+705T>C (NM_001354549.2); short protein forms F657S, F240S, F260S, F618S, F677S, F680S.
Identifiers: ClinVar variation 577325 (VCV000577325.8), dbSNP rs1566894864, ClinGen allele CA391352192.

ClinVar aggregate classification (germline): Uncertain significance (1 of 4 stars; one submission).

Conditions:
Angelman syndrome (AS). Also called: HAPPY PUPPET SYNDROME. Identifiers: Orphanet 72, MedGen C0162635, MONDO:0007113, OMIM 105830. Disease mechanism: loss of function. Inheritance: AS is caused by disruption of maternally imprinted UBE3A located within the 15q11.2-q13 Angelman syndrome/Prader-Willi syndrome (AS/PWS) region., imprinting disorder.

Submission:

Labcorp Genetics (formerly Invitae), Labcorp
Classification: Uncertain significance for Angelman syndrome. Last evaluated: 2018-08-14. Review status: criteria provided, single submitter. Criteria: Invitae Variant Classification Sherloc (09022015). Collection method: clinical testing. Allele origin: germline.
Comment: Algorithms developed to predict the effect of missense changes on protein structure and function (SIFT, PolyPhen-2, Align-GVGD) all suggest that this variant is likely to be disruptive, but these predictions have not been confirmed by published functional studies and their clinical significance is uncertain. In summary, the available evidence is currently insufficient to determine the role of this variant in disease. Therefore, it has been classified as a Variant of Uncertain Significance. This variant has not been reported in the literature in individuals with UBE3A-related disease. This variant is not present in population databases (ExAC no frequency). This sequence change replaces phenylalanine with serine at codon 657 of the UBE3A protein (p.Phe657Ser). The phenylalanine residue is highly conserved and there is a large physicochemical difference between phenylalanine and serine.